The following is an entry in ClinVar:

NM_001042492.3(NF1):c.157T>G (p.Leu53Val)

Gene: NF1 (neurofibromin 1; plus strand). Cytogenetic location: 17q11.2.
Variant type: single nucleotide variant.
Coding change: c.157T>G on transcript NM_001042492.3 (MANE Select); coding-DNA position 157, T replaced by G.
Protein change: p.Leu53Val; replaces leucine 53 with valine.
Molecular consequence: missense variant.
Genome position (GRCh38, 1-based): chr17:31,156,079, T>G. VCF-style: chr17-31156079-T-G. GRCh37 (hg19) VCF-style: chr17-29483097-T-G.
Other names: c.157T>G, p.Leu53Val (NM_000267.4, NM_001128147.3); short protein forms L53V.
Identifiers: ClinVar variation 4119146 (VCV004119146.1).

ClinVar aggregate classification (germline): Uncertain significance (1 of 4 stars; one submission).

Conditions:
Cardiovascular phenotype. Identifiers: MedGen CN230736.
Hereditary cancer-predisposing syndrome. Also called: Hereditary neoplastic syndrome; Neoplastic Syndromes, Hereditary; Tumor predisposition; Hereditary Cancer Syndrome. Identifiers: Orphanet 140162, MedGen C0027672, MeSH D009386, MONDO:0015356.

Submission:

Ambry Genetics
Classification: Uncertain significance for Cardiovascular phenotype; Hereditary cancer-predisposing syndrome. Last evaluated: 2025-08-19. Review status: criteria provided, single submitter. Criteria: Ambry Variant Classification Scheme 2023. Collection method: clinical testing. Allele origin: germline.
Comment: The p.L53V variant (also known as c.157T>G), located in coding exon 2 of the NF1 gene, results from a T to G substitution at nucleotide position 157. The leucine at codon 53 is replaced by valine, an amino acid with highly similar properties. This amino acid position is conserved. In addition, this alteration is predicted to be tolerated by in silico analysis. Based on the available evidence, the clinical significance of this variant remains unclear.